The following is an entry in ClinVar:

ClinVar aggregate classification (germline): Uncertain significance (1 of 4 stars; one submission).

Conditions:
Hereditary spastic paraplegia 47. Also called: adaptor protein 4 (AP-4) deficiency syndrome; Spastic paraplegia 47, autosomal recessive; CEREBRAL PALSY, SPASTIC QUADRIPLEGIC, 5. Identifiers: Orphanet 280763, MedGen C3279738, MONDO:0013551, OMIM 614066.

gnomAD v4.1: 9 of 1,614,198 alleles (0.00056%); highest among the groups gnomAD compares: Non-Finnish European, 0.00076%; no homozygotes.

Submission:

Labcorp Genetics (formerly Invitae), Labcorp
Classification: Uncertain significance for Hereditary spastic paraplegia 47. Last evaluated: 2025-06-16. Review status: criteria provided, single submitter. Criteria: Invitae Variant Classification Sherloc (09022015). Collection method: clinical testing. Allele origin: germline.
Comment: This sequence change replaces phenylalanine, which is neutral and non-polar, with leucine, which is neutral and non-polar, at codon 318 of the AP4B1 protein (p.Phe318Leu). This variant is present in population databases (rs761361688, gnomAD 0.002%). This variant has not been reported in the literature in individuals affected with AP4B1-related conditions. ClinVar contains an entry for this variant (Variation ID: 2005351). Invitae Evidence Modeling of protein sequence and biophysical properties (such as structural, functional, and spatial information, amino acid conservation, physicochemical variation, residue mobility, and thermodynamic stability) indicates that this missense variant is not expected to disrupt AP4B1 protein function with a negative predictive value of 80%. In summary, the available evidence is currently insufficient to determine the role of this variant in disease. Therefore, it has been classified as a Variant of Uncertain Significance.

NM_001253852.3(AP4B1):c.952T>C (p.Phe318Leu)

Genes: AP4B1 (adaptor related protein complex 4 subunit beta 1; minus strand), AP4B1-AS1 (AP4B1 antisense RNA 1; plus strand). Cytogenetic location: 1p13.2.
Variant type: single nucleotide variant.
Coding change: c.952T>C on transcript NM_001253852.3 (MANE Select); coding-DNA position 952, T replaced by C.
Protein change: p.Phe318Leu; replaces phenylalanine 318 with leucine.
Molecular consequence: missense variant. On other transcripts: non-coding transcript variant (2).
Genome position (GRCh38, 1-based): chr1:113,900,066, A>G on the plus strand (T>C on the coding strand, the complement: AP4B1 is on the minus strand). VCF-style: chr1-113900066-A-G. GRCh37 (hg19) VCF-style: chr1-114442688-A-G.
Other names: c.655T>C, p.Phe219Leu (NM_001253853.3); c.448T>C, p.Phe150Leu (NM_001308312.2); c.952T>C, p.Phe318Leu (NM_006594.5); short protein forms F318L, F150L, F219L.
Identifiers: ClinVar variation 2005351 (VCV002005351.4), dbSNP rs761361688, ClinGen allele CA1015969.